The following is an entry in ClinVar:

ClinVar aggregate classification (germline): Uncertain significance (1 of 4 stars; one submission).

Conditions:
Neurofibromatosis, type 2 (SWNV). Also called: BILATERAL ACOUSTIC NEUROFIBROMATOSIS; NF2-Related Schwannomatosis; SCHWANNOMATOSIS, VESTIBULAR. Identifiers: Orphanet 637, MedGen C0027832, MONDO:0007039, OMIM 101000. Disease mechanism: loss of function.

Submission:

Labcorp Genetics (formerly Invitae), Labcorp
Classification: Uncertain significance for Neurofibromatosis, type 2. Last evaluated: 2020-07-23. Review status: criteria provided, single submitter. Criteria: Invitae Variant Classification Sherloc (09022015). Collection method: clinical testing. Allele origin: germline.
Comment: This sequence change replaces asparagine with lysine at codon 263 of the NF2 protein (p.Asn263Lys). The asparagine residue is highly conserved and there is a moderate physicochemical difference between asparagine and lysine. In summary, the available evidence is currently insufficient to determine the role of this variant in disease. Therefore, it has been classified as a Variant of Uncertain Significance. Algorithms developed to predict the effect of missense changes on protein structure and function are either unavailable or do not agree on the potential impact of this missense change (SIFT: "Deleterious"; PolyPhen-2: "Probably Damaging"; Align-GVGD: "Class C0"). This variant has not been reported in the literature in individuals with NF2-related conditions. This variant is not present in population databases (ExAC no frequency).

NM_000268.4(NF2):c.789C>A (p.Asn263Lys)

Gene: NF2 (NF2, moesin-ezrin-radixin like (MERLIN) tumor suppressor; plus strand). Cytogenetic location: 22q12.2.
Variant type: single nucleotide variant.
Coding change: c.789C>A on transcript NM_000268.4 (MANE Select); coding-DNA position 789, C replaced by A.
Protein change: p.Asn263Lys; replaces asparagine 263 with lysine.
Molecular consequence: missense variant. On other transcripts: non-coding transcript variant (1), intron variant (1).
Genome position (GRCh38, 1-based): chr22:29,661,318, C>A. VCF-style: chr22-29661318-C-A. GRCh37 (hg19) VCF-style: chr22-30057307-C-A.
Other names: c.789C>A, p.Asn263Lys (NM_016418.5, NM_181825.3, NM_181832.3); c.663C>A, p.Asn221Lys (NM_181828.3); c.666C>A, p.Asn222Lys (NM_181829.3); c.540C>A, p.Asn180Lys (NM_181830.3, NM_181831.3); c.447+19033C>A (NM_181833.3); short protein forms N180K, N221K, N222K, N263K.
Identifiers: ClinVar variation 1055359 (VCV001055359.9), dbSNP rs1555996218, ClinGen allele CA411144112.